The following is an entry in ClinVar:

ClinVar aggregate classification (germline): Uncertain significance (1 of 4 stars; one submission).

gnomAD v4.1: 5 of 1,612,430 alleles (0.00031%); highest among the groups gnomAD compares: East Asian, 0.011%; no homozygotes.

Submission:

Biesecker Lab/Clinical Genomics Section, National Institutes of Health
Classification: Uncertain significance. Last evaluated: 2013-06-24. Review status: criteria provided, single submitter. Criteria: Ng et al. (Circ Cardiovasc Genet. 2013). Collection method: research. Allele origin: unknown. Observed: 1 variant allele. Study: ClinSeq.
Comment: The study set was not selected for affection status in relation to any cancer. Pathogenicity categories were based on literature curation. See Pubmed ID:23861362 for details.

Medical sequencing

NM_133379.5(TTN):c.16679C>G (p.Thr5560Ser)

Gene: TTN (titin; minus strand). Cytogenetic location: 2q31.2.
Variant type: single nucleotide variant.
Coding change: c.16679C>G on transcript NM_133379.5 (MANE Plus Clinical); coding-DNA position 16679, C replaced by G.
Protein change: p.Thr5560Ser; replaces threonine 5560 with serine.
Molecular consequence: missense variant. On other transcripts: intron variant (6).
Genome position (GRCh38, 1-based): chr2:178,745,721, G>C on the plus strand (C>G on the coding strand, the complement: TTN is on the minus strand). VCF-style: chr2-178745721-G-C. GRCh37 (hg19) VCF-style: chr2-179610448-G-C.
Other names: c.10223-3800C>G (NM_003319.4); c.10799-3800C>G (NM_133437.4); c.10598-3800C>G (NM_133432.3); c.10361-7361C>G (NM_133378.4); c.10361-3800C>G (NM_001256850.1); c.11312-3800C>G (NM_001267550.2); short protein forms T5560S.
Identifiers: ClinVar variation 192040 (VCV000192040.1), dbSNP rs757811601, ClinGen allele CA238165.